The following is an entry in ClinVar:

NM_017934.7(PHIP):c.2320-2A>G

Gene: PHIP (PHIP subunit of CUL4-Ring ligase complex; minus strand). Cytogenetic location: 6q14.1.
Variant type: single nucleotide variant.
Coding change: c.2320-2A>G on transcript NM_017934.7 (MANE Select); the canonical splice acceptor site of the intron before coding-DNA position 2320, A replaced by G.
Molecular consequence: splice acceptor variant.
Genome position (GRCh38, 1-based): chr6:78,988,351, T>C on the plus strand (A>G on the coding strand, the complement: PHIP is on the minus strand). VCF-style: chr6-78988351-T-C. GRCh37 (hg19) VCF-style: chr6-79698068-T-C.
Identifiers: ClinVar variation 2636935 (VCV002636935.6), dbSNP rs200515013, ClinGen allele CA141882727.

ClinVar aggregate classification (germline): Likely pathogenic. Review status: criteria provided, multiple submitters, no conflicts (2 of 4 stars). 2 submissions from 2 submitters: Likely pathogenic (2). Last evaluated 2026-08-27.

Conditions:
PHIP-related disorder. Also called: PHIP-related condition; PHIP-related disorders.

Allele frequency attached by ClinVar (database versions not stated): gnomAD exomes 0.00001; TOPMed 0.00001.
gnomAD v4.1: 20 of 1,566,058 alleles (0.0013%); highest among the groups gnomAD compares: East Asian, 0.027%; no homozygotes.

Submissions (2):

PreventionGenetics, part of Exact Sciences
Classification: Likely pathogenic for PHIP-related condition. Last evaluated: 2026-08-27. Review status: criteria provided, single submitter. Criteria: ACMG Guidelines, 2015. Collection method: clinical testing. Allele origin: germline.
Comment: The PHIP c.2320-2A>G variant is predicted to disrupt the AG splice acceptor site and interfere with normal splicing. This variant has been reported in an individual from a large neurodevelopmental disorder cohort (Table S2, rs200515013, Zhang et al. 2021. PubMed ID: 33860439). This variant has not been reported in a large population database (gnomAD), indicating this variant is rare. Variants that disrupt the consensus splice acceptor site in PHIP are expected to be pathogenic. This variant is interpreted as likely pathogenic.

Labcorp Genetics (formerly Invitae), Labcorp
Classification: Likely pathogenic. Last evaluated: 2025-03-19. Review status: criteria provided, single submitter. Criteria: Invitae Variant Classification Sherloc (09022015). Collection method: clinical testing. Allele origin: germline.
Comment: This sequence change affects an acceptor splice site in intron 20 of the PHIP gene. It is expected to disrupt RNA splicing. Variants that disrupt the donor or acceptor splice site typically lead to a loss of protein function (PMID: 16199547), and loss-of-function variants in PHIP are known to be pathogenic (PMID: 27900362). This variant is not present in population databases (gnomAD no frequency). This variant has not been reported in the literature in individuals affected with PHIP-related conditions. ClinVar contains an entry for this variant (Variation ID: 2636935). Algorithms developed to predict the effect of sequence changes on RNA splicing suggest that this variant may disrupt the consensus splice site. In summary, the currently available evidence indicates that the variant is pathogenic, but additional data are needed to prove that conclusively. Therefore, this variant has been classified as Likely Pathogenic.

Literature cited by the submitters: PubMed 16199547 (cited by Labcorp Genetics (formerly Invitae), Labcorp); PubMed 27900362 (cited by Labcorp Genetics (formerly Invitae), Labcorp).